The following is an entry in ClinVar:

ClinVar aggregate classification (germline): Uncertain significance (1 of 4 stars; one submission).

Conditions:
Mucopolysaccharidosis type 7 (MPS7). Also called: MPS VII; BETA-GLUCURONIDASE DEFICIENCY; GUSB DEFICIENCY; SLY SYNDROME. Identifiers: Orphanet 584, MedGen C0085132, MONDO:0009662, OMIM 253220.

gnomAD v4.1: 8 of 1,613,834 alleles (0.0005%); highest among the groups gnomAD compares: African/African-American, 0.0013%; no homozygotes.

Submission:

Labcorp Genetics (formerly Invitae), Labcorp
Classification: Uncertain significance for Mucopolysaccharidosis type 7. Last evaluated: 2025-05-23. Review status: criteria provided, single submitter. Criteria: Invitae Variant Classification Sherloc (09022015). Collection method: clinical testing. Allele origin: germline.
Comment: This sequence change replaces alanine, which is neutral and non-polar, with threonine, which is neutral and polar, at codon 271 of the GUSB protein (p.Ala271Thr). This variant is not present in population databases (gnomAD no frequency). This variant has not been reported in the literature in individuals affected with GUSB-related conditions. Invitae Evidence Modeling of protein sequence and biophysical properties (such as structural, functional, and spatial information, amino acid conservation, physicochemical variation, residue mobility, and thermodynamic stability) indicates that this missense variant is not expected to disrupt GUSB protein function with a negative predictive value of 80%. In summary, the available evidence is currently insufficient to determine the role of this variant in disease. Therefore, it has been classified as a Variant of Uncertain Significance.

NM_000181.4(GUSB):c.811G>A (p.Ala271Thr)

Gene: GUSB (glucuronidase beta; minus strand). Cytogenetic location: 7q11.21.
Variant type: single nucleotide variant.
Coding change: c.811G>A on transcript NM_000181.4 (MANE Select); coding-DNA position 811, G replaced by A.
Protein change: p.Ala271Thr; replaces alanine 271 with threonine.
Molecular consequence: missense variant. On other transcripts: non-coding transcript variant (1), intron variant (1).
Genome position (GRCh38, 1-based): chr7:65,976,116, C>T on the plus strand (G>A on the coding strand, the complement: GUSB is on the minus strand). VCF-style: chr7-65976116-C-T. GRCh37 (hg19) VCF-style: chr7-65441103-C-T.
Other names: c.241G>A, p.Ala81Thr (NM_001293104.2); c.154G>A, p.Ala52Thr (NM_001293105.2); c.475-1045G>A (NM_001284290.2); short protein forms A271T, A52T, A81T.
Identifiers: ClinVar variation 4806150 (VCV004806150.1).